The following is an entry in ClinVar:

ClinVar aggregate classification (germline): Conflicting classifications of pathogenicity. Review status: criteria provided, conflicting classifications (1 of 4 stars). 6 submissions from 6 submitters: Uncertain significance (5); Likely benign (1). Last evaluated 2024-02-29.

Conditions:
KIF7-related disorder. Also called: KIF7-related condition.
Acrocallosal syndrome (ACLS). Also called: Schinzel syndrome 1; Absence of corpus callosum with unusual facial appearance, mental deficiency, duplication of the halluces and polydactyly; HALLUX DUPLICATION, POSTAXIAL POLYDACTYLY, AND ABSENCE OF CORPUS CALLOSUM. Identifiers: Orphanet 36, MedGen C0796147, MONDO:0008708, OMIM 200990.
Inborn genetic diseases. Identifiers: MedGen C0950123, MeSH D030342.

Allele frequency attached by ClinVar (database versions not stated): ExAC 0.00002; gnomAD exomes 0.00004 and 0.00008; ESP Exome Variant Server 0.00008; gnomAD 0.00012 and 0.00013; TOPMed 0.00012.
gnomAD v4.1: 124 of 1,604,614 alleles (0.0077%); highest among the groups gnomAD compares: African/African-American, 0.025%; no homozygotes.

Submissions (6):

Women's Health and Genetics/Laboratory Corporation of America, LabCorp
Classification: Uncertain significance. Last evaluated: 2024-02-29. Review status: criteria provided, single submitter. Criteria: LabCorp Variant Classification Summary - May 2015. Collection method: clinical testing. Allele origin: germline.
Comment: Variant summary: KIF7 c.2072G>A (p.Arg691His) results in a non-conservative amino acid change in the encoded protein sequence. Four of five in-silico tools predict a benign effect of the variant on protein function. The variant allele was found at a frequency of 4.1e-05 in 243102 control chromosomes. To our knowledge, no occurrence of c.2072G>A in individuals affected with Acrocallosal Syndrome/Joubert Syndrome 12 and no experimental evidence demonstrating its impact on protein function have been reported. ClinVar contains an entry for this variant (Variation ID: 1495912). Based on the evidence outlined above, the variant was classified as uncertain significance.

Labcorp Genetics (formerly Invitae), Labcorp
Classification: Uncertain significance for Acrocallosal syndrome. Last evaluated: 2024-01-15. Review status: criteria provided, single submitter. Criteria: Invitae Variant Classification Sherloc (09022015). Collection method: clinical testing. Allele origin: germline.
Comment: This sequence change replaces arginine, which is basic and polar, with histidine, which is basic and polar, at codon 691 of the KIF7 protein (p.Arg691His). This variant is present in population databases (rs377712806, gnomAD 0.03%). This variant has not been reported in the literature in individuals affected with KIF7-related conditions. ClinVar contains an entry for this variant (Variation ID: 1495912). Advanced modeling of protein sequence and biophysical properties (such as structural, functional, and spatial information, amino acid conservation, physicochemical variation, residue mobility, and thermodynamic stability) performed at Invitae indicates that this missense variant is not expected to disrupt KIF7 protein function with a negative predictive value of 80%. Algorithms developed to predict the effect of sequence changes on RNA splicing suggest that this variant may create or strengthen a splice site. In summary, the available evidence is currently insufficient to determine the role of this variant in disease. Therefore, it has been classified as a Variant of Uncertain Significance.

Blueprint Genetics
Classification: Likely benign. Last evaluated: 2023-11-21. Review status: criteria provided, single submitter. Criteria: ACMG Guidelines, 2015. Collection method: clinical testing. Allele origin: germline.

GeneDx
Classification: Uncertain significance. Last evaluated: 2023-06-02. Review status: criteria provided, single submitter. Criteria: GeneDx Variant Classification Process June 2021. Collection method: clinical testing. Allele origin: germline. Affected: yes.
Comment: In silico analysis supports that this missense variant does not alter protein structure/function; Has not been previously published as pathogenic or benign to our knowledge; In silico analysis suggests this variant may impact gene splicing. In the absence of RNA/functional studies, the actual effect of this sequence change is unknown.

Ambry Genetics
Classification: Uncertain significance for Inborn genetic diseases. Last evaluated: 2023-03-21. Review status: criteria provided, single submitter. Criteria: Ambry Variant Classification Scheme 2023. Collection method: clinical testing. Allele origin: germline.

PreventionGenetics, part of Exact Sciences
Classification: Uncertain significance for KIF7-related condition. Last evaluated: 2022-11-10. Review status: criteria provided, single submitter. Criteria: ACMG Guidelines, 2015. Collection method: clinical testing. Allele origin: germline.
Comment: The KIF7 c.2072G>A variant is predicted to result in the amino acid substitution p.Arg691His. To our knowledge, this variant has not been reported in the literature. This variant is reported in 0.033% of alleles in individuals of African descent in gnomAD. At this time, the clinical significance of this variant is uncertain due to the absence of conclusive functional and genetic evidence.

NM_198525.3(KIF7):c.2072G>A (p.Arg691His)

Gene: KIF7 (kinesin family member 7; minus strand). Cytogenetic location: 15q26.1.
Variant type: single nucleotide variant.
Coding change: c.2072G>A on transcript NM_198525.3 (MANE Select); coding-DNA position 2072, G replaced by A.
Protein change: p.Arg691His; replaces arginine 691 with histidine.
Molecular consequence: missense variant.
Genome position (GRCh38, 1-based): chr15:89,645,132, C>T on the plus strand (G>A on the coding strand, the complement: KIF7 is on the minus strand). VCF-style: chr15-89645132-C-T. GRCh37 (hg19) VCF-style: chr15-90188363-C-T.
Other names: c.2072G>A (NM_198525.2); short protein forms R691H.
Identifiers: ClinVar variation 1495912 (VCV001495912.11), dbSNP rs377712806, ClinGen allele CA7728340.
Genomic context (GRCh38, chr15:89,645,132, plus strand): 5'-CGGATCTTCTGCTGGGCCTGGGCCAGCCGCCACTCTGAGGCTGTGGCAGGGGGGACCTGG[C>T]GGGCCTGAACTCGGGCCTTGCTCCCACCAACTGCTGCAACAGGCAGCCTGTCAAGGTTGC-3'
Protein context (NP_940927.2, residues 681-701): VGGSKARVQA[Arg691His]QVPPATASEW